The following is an entry in ClinVar:

ClinVar aggregate classification (germline): Uncertain significance (1 of 4 stars; one submission).

Conditions:
Dyskeratosis congenita, autosomal recessive 5 (DKCB5). Identifiers: MedGen C3554656, MONDO:0014076, OMIM 615190.
Pulmonary fibrosis and/or bone marrow failure, Telomere-related, 3. Also called: PULMONARY FIBROSIS AND/OR BONE MARROW FAILURE SYNDROME, TELOMERE-RELATED, 3. Identifiers: Orphanet 2032, MedGen C4225346, MONDO:0014613, OMIM 616373.

Allele frequency attached by ClinVar (database versions not stated): gnomAD exomes below 0.00001.
gnomAD v4.1: 1 of 1,612,334 alleles (0.000062%); highest among the groups gnomAD compares: Non-Finnish European, 0.000085%; no homozygotes.

Submission:

Labcorp Genetics (formerly Invitae), Labcorp
Classification: Uncertain significance for Dyskeratosis congenita, autosomal recessive 5; Pulmonary fibrosis and/or bone marrow failure, Telomere-related, 3. Last evaluated: 2026-01-24. Review status: criteria provided, single submitter. Criteria: Invitae Variant Classification Sherloc (09022015). Collection method: clinical testing. Allele origin: germline.
Comment: This sequence change replaces cysteine, which is neutral and slightly polar, with arginine, which is basic and polar, at codon 1132 of the RTEL1 protein (p.Cys1132Arg). This variant is not present in population databases (gnomAD no frequency). This variant has not been reported in the literature in individuals affected with RTEL1-related conditions. ClinVar contains an entry for this variant (Variation ID: 1479729). An algorithm developed to predict the effect of missense changes on protein structure and function (PolyPhen-2) suggests that this variant is likely to be disruptive. In summary, the available evidence is currently insufficient to determine the role of this variant in disease. Therefore, it has been classified as a Variant of Uncertain Significance.

NM_001283009.2(RTEL1):c.3394T>C (p.Cys1132Arg)

Genes: RTEL1-TNFRSF6B (RTEL1-TNFRSF6B readthrough (NMD candidate); plus strand), RTEL1 (regulator of telomere elongation helicase 1; plus strand). Cytogenetic location: 20q13.33.
Variant type: single nucleotide variant.
Coding change: c.3394T>C on transcript NM_001283009.2 (MANE Select); coding-DNA position 3394, T replaced by C.
Protein change: p.Cys1132Arg; replaces cysteine 1132 with arginine.
Molecular consequence: missense variant. On other transcripts: non-coding transcript variant (1).
Genome position (GRCh38, 1-based): chr20:63,695,116, T>C. VCF-style: chr20-63695116-T-C. GRCh37 (hg19) VCF-style: chr20-62326469-T-C.
Other names: c.2725T>C, p.Cys909Arg (NM_001283010.1); c.3394T>C, p.Cys1132Arg (NM_016434.4); c.3466T>C, p.Cys1156Arg (NM_032957.5); short protein forms C909R, C1156R, C1132R.
Identifiers: ClinVar variation 1479729 (VCV001479729.8), dbSNP rs2145477538, ClinGen allele CA409685346.